The following is an entry in ClinVar:

NM_000257.4(MYH7):c.640-5T>A

Gene: MYH7 (myosin heavy chain 7; minus strand). Cytogenetic location: 14q11.2.
Variant type: single nucleotide variant.
Coding change: c.640-5T>A on transcript NM_000257.4 (MANE Select); 5 bases into the intron before coding-DNA position 640, T replaced by A.
Molecular consequence: intron variant.
Genome position (GRCh38, 1-based): chr14:23,431,682, A>T on the plus strand (T>A on the coding strand, the complement: MYH7 is on the minus strand). VCF-style: chr14-23431682-A-T. GRCh37 (hg19) VCF-style: chr14-23900891-A-T.
Other names: c.640-5T>A (NM_000257.2).
Identifiers: ClinVar variation 568007 (VCV000568007.14), dbSNP rs866601695, ClinGen allele CA257825994.

ClinVar aggregate classification (germline): Uncertain significance. Review status: criteria provided, multiple submitters, no conflicts (2 of 4 stars). 5 submissions from 5 submitters: Uncertain significance (5). Last evaluated 2026-08-10.

Conditions:
Cardiomyopathy (CMYO). Also called: Cardiomyopathies. Identifiers: Orphanet 167848, MedGen C0878544, MONDO:0004994, HP:0001638. Inheritance: Various modes of inheritance.
Cardiovascular phenotype. Identifiers: MedGen CN230736.
Hypertrophic cardiomyopathy. Also called: HYPERTROPHIC MYOCARDIOPATHY. Identifiers: Orphanet 217569, MedGen C0007194, MeSH D002312, MONDO:0005045, HP:0001639.

Allele frequency attached by ClinVar (database versions not stated): gnomAD exomes 0.00001.
gnomAD v4.1: 3 of 1,614,278 alleles (0.00019%); highest among the groups gnomAD compares: Middle Eastern, 0.033%; no homozygotes.

Submissions (5):

Ambry Genetics
Classification: Uncertain significance for Cardiovascular phenotype. Last evaluated: 2026-08-10. Review status: criteria provided, single submitter. Criteria: Ambry Variant Classification Scheme 2023. Collection method: clinical testing. Allele origin: germline.
Comment: The c.640-5T>A intronic variant results from a T to A substitution 5 nucleotides upstream from coding exon 6 in the MYH7 gene. This nucleotide position is not well conserved in available vertebrate species. In silico splice site analysis predicts that this alteration will result in the creation or strengthening of a novel splice acceptor site. Based on the available evidence, the clinical significance of this variant remains unclear.

Color Diagnostics, LLC DBA Color Health
Classification: Uncertain significance for Cardiomyopathy. Last evaluated: 2025-07-28. Review status: criteria provided, single submitter. Criteria: ACMG Guidelines, 2015. Collection method: clinical testing. Allele origin: germline.
Comment: This variant causes a T to A nucleotide substitution at the -5 position of intron 7 of the MYH7 gene. Splice site prediction tools suggest that this variant may have a significant impact on RNA splicing, although this prediction has not been confirmed in published RNA studies. This variant has not been reported in individuals affected with MYH7-related disorders in the literature. This variant has not been identified in the general population by the Genome Aggregation Database (gnomAD). Clinical relevance of loss-of-function MYH7 truncation and splice variants in autosomal dominant cardiovascular disorders is not clearly established. The available evidence is insufficient to determine the role of this variant in disease conclusively. Therefore, this variant is classified as a Variant of Uncertain Significance.

Labcorp Genetics (formerly Invitae), Labcorp
Classification: Uncertain significance for Hypertrophic cardiomyopathy. Last evaluated: 2025-06-09. Review status: criteria provided, single submitter. Criteria: Invitae Variant Classification Sherloc (09022015). Collection method: clinical testing. Allele origin: germline.
Comment: This sequence change falls in intron 7 of the MYH7 gene. It does not directly change the encoded amino acid sequence of the MYH7 protein. This variant is not present in population databases (gnomAD no frequency). This variant has not been reported in the literature in individuals affected with MYH7-related conditions. ClinVar contains an entry for this variant (Variation ID: 568007). Algorithms developed to predict the effect of sequence changes on RNA splicing suggest that this variant may create or strengthen a splice site. In summary, the available evidence is currently insufficient to determine the role of this variant in disease. Therefore, it has been classified as a Variant of Uncertain Significance.

Blueprint Genetics
Classification: Uncertain significance. Last evaluated: 2023-08-16. Review status: criteria provided, single submitter. Criteria: ACMG Guidelines, 2015. Collection method: clinical testing. Allele origin: germline.

Revvity Omics, Revvity
Classification: Uncertain significance. Last evaluated: 2020-07-28. Review status: criteria provided, single submitter. Criteria: ACMG Guidelines, 2015. Collection method: clinical testing. Allele origin: germline.